The following is an entry in ClinVar:

NM_015103.3(PLXND1):c.2829G>A (p.Val943=)

Gene: PLXND1 (plexin D1; minus strand). Cytogenetic location: 3q22.1.
Variant type: single nucleotide variant.
Coding change: c.2829G>A on transcript NM_015103.3 (MANE Select); coding-DNA position 2829, G replaced by A.
Protein change: p.Val943=; no amino-acid change (valine 943 retained).
Molecular consequence: synonymous variant.
Genome position (GRCh38, 1-based): chr3:129,573,602, C>T on the plus strand (G>A on the coding strand, the complement: PLXND1 is on the minus strand). VCF-style: chr3-129573602-C-T. GRCh37 (hg19) VCF-style: chr3-129292445-C-T.
Identifiers: ClinVar variation 716851 (VCV000716851.7), dbSNP rs78861886, ClinGen allele CA2608879.

ClinVar aggregate classification (germline): Benign. Review status: criteria provided, multiple submitters, no conflicts (2 of 4 stars). 3 submissions from 3 submitters: Benign (2). 1 of the submissions does not count toward it. Last evaluated 2019-12-31.

Conditions:
PLXND1-related disorder. Also called: PLXND1-related condition.

Allele frequency attached by ClinVar (database versions not stated): gnomAD exomes 0.00053 and 0.00141; ExAC 0.00175; gnomAD 0.00453 and 0.00488; 1000 Genomes Project 0.00459; 1000 Genomes Project 30x 0.00531; TOPMed 0.00538; ESP Exome Variant Server 0.00600.
gnomAD v4.1: 1,519 of 1,613,066 alleles (0.094%); highest among the groups gnomAD compares: African/African-American, 1.6%; 13 homozygotes.

Submissions (3):

Labcorp Genetics (formerly Invitae), Labcorp
Classification: Benign. Last evaluated: 2019-12-31. Review status: criteria provided, single submitter. Criteria: Invitae Variant Classification Sherloc (09022015). Collection method: clinical testing. Allele origin: germline.

Breakthrough Genomics
Classification: Benign. Review status: criteria provided, single submitter. Criteria: ACMG Guidelines, 2015. Collection method: not provided. Allele origin: germline. Inheritance: Unknown mechanism. Affected: yes.

PreventionGenetics, part of Exact Sciences
Classification: Benign for PLXND1-related condition. Last evaluated: 2019-03-19. Review status: no assertion criteria provided. Collection method: clinical testing. Allele origin: germline. Not counted in ClinVar's aggregate classification.
Comment: This variant is classified as benign based on ACMG/AMP sequence variant interpretation guidelines (Richards et al. 2015 PMID: 25741868, with internal and published modifications).